The following is an entry in ClinVar:

ClinVar aggregate classification (germline): Uncertain significance. Review status: criteria provided, multiple submitters, no conflicts (2 of 4 stars). 3 submissions from 3 submitters: Uncertain significance (3). Last evaluated 2024-04-22.

Conditions:
Inborn genetic diseases. Identifiers: MedGen C0950123, MeSH D030342.
CHARGE syndrome (CHARGE). Also called: Coloboma, heart anomaly, choanal atresia, retardation, genital and ear anomalies; CHARGE association; Hall-Hittner syndrome; Hittner Hirsch Kreh syndrome; CHARGE ASSOCIATION--COLOBOMA, HEART ANOMALY, CHOANAL ATRESIA, RETARDATION, GENITAL AND EAR ANOMALIES. Identifiers: Orphanet 138, MedGen C0265354, MONDO:0008965.
Hypogonadotropic hypogonadism 5 with or without anosmia (KAL5). Also called: HYPOGONADOTROPIC HYPOGONADISM 5 WITH ANOSMIA; HYPOGONADOTROPHIC HYPOGONADISM 5 WITHOUT ANOSMIA; CHD7-Related GnRH Deficiency (Kallmann Syndrome 5). Identifiers: Orphanet 478, MedGen C3552553, MONDO:0012880, OMIM 612370. Disease mechanism: loss of function.

Allele frequency attached by ClinVar (database versions not stated): TOPMed 0.00001; gnomAD 0.00002.
gnomAD v4.1: 3 of 1,613,860 alleles (0.00019%); highest among the groups gnomAD compares: African/African-American, 0.0013%; no homozygotes.

Submissions (3):

Labcorp Genetics (formerly Invitae), Labcorp
Classification: Uncertain significance for CHARGE syndrome. Last evaluated: 2024-04-22. Review status: criteria provided, single submitter. Criteria: Invitae Variant Classification Sherloc (09022015). Collection method: clinical testing. Allele origin: germline.
Comment: This sequence change replaces tyrosine, which is neutral and polar, with serine, which is neutral and polar, at codon 2056 of the CHD7 protein (p.Tyr2056Ser). This variant is present in population databases (no rsID available, gnomAD 0.007%). This variant has not been reported in the literature in individuals affected with CHD7-related conditions. ClinVar contains an entry for this variant (Variation ID: 589680). Advanced modeling of protein sequence and biophysical properties (such as structural, functional, and spatial information, amino acid conservation, physicochemical variation, residue mobility, and thermodynamic stability) has been performed at Invitae for this missense variant, however the output from this modeling did not meet the statistical confidence thresholds required to predict the impact of this variant on CHD7 protein function. In summary, the available evidence is currently insufficient to determine the role of this variant in disease. Therefore, it has been classified as a Variant of Uncertain Significance.

Fulgent Genetics
Classification: Uncertain significance for CHD7-related CHARGE syndrome; Hypogonadotropic hypogonadism 5 with or without anosmia. Last evaluated: 2022-05-19. Review status: criteria provided, single submitter. Criteria: ACMG Guidelines, 2015. Collection method: clinical testing. Allele origin: unknown.

Ambry Genetics
Classification: Uncertain significance for Inborn genetic diseases. Last evaluated: 2016-05-06. Review status: criteria provided, single submitter. Criteria: Ambry Variant Classification Scheme 2023. Collection method: clinical testing. Allele origin: germline.
Comment: The p.Y2056S variant (also known as c.6167A>C), located in coding exon 30 of the CHD7 gene, results from an A to C substitution at nucleotide position 6167. The tyrosine at codon 2056 is replaced by serine, an amino acid with dissimilar properties. This variant was not reported in population based cohorts in the following databases: Database of Single Nucleotide Polymorphisms (dbSNP), NHLBI Exome Sequencing Project (ESP), and 1000 Genomes Project. In the ESP, this variant was not observed in 6094 samples (12188 alleles) with coverage at this position. This amino acid position is highly conserved in available vertebrate species. In addition, this alteration is predicted to be deleterious by in silico analysis. Since supporting evidence is limited at this time, the clinical significance of this alteration remains unclear.

NM_017780.4(CHD7):c.6167A>C (p.Tyr2056Ser)

Gene: CHD7 (chromodomain helicase DNA binding protein 7; plus strand). Cytogenetic location: 8q12.2.
Variant type: single nucleotide variant.
Coding change: c.6167A>C on transcript NM_017780.4 (MANE Select); coding-DNA position 6167, A replaced by C.
Protein change: p.Tyr2056Ser; replaces tyrosine 2056 with serine.
Molecular consequence: missense variant. On other transcripts: intron variant (1).
Genome position (GRCh38, 1-based): chr8:60,852,892, A>C. VCF-style: chr8-60852892-A-C. GRCh37 (hg19) VCF-style: chr8-61765451-A-C.
Other names: c.1717-9337A>C (NM_001316690.1); short protein forms Y2056S.
Identifiers: ClinVar variation 589680 (VCV000589680.9), dbSNP rs1189776580, ClinGen allele CA371324360.